The following is an entry in ClinVar:

ClinVar aggregate classification (germline): Benign. Review status: criteria provided, multiple submitters, no conflicts (2 of 4 stars). 2 submissions from 2 submitters: Benign (2). Last evaluated 2026-01-19.

Allele frequency attached by ClinVar (database versions not stated): gnomAD exomes 0.00166; ExAC 0.00188; 1000 Genomes Project 0.00319; 1000 Genomes Project 30x 0.00515; gnomAD 0.00006 and 0.00057; ESP Exome Variant Server 0.00015; TOPMed 0.00017.
gnomAD v4.1: 1,222 of 1,614,042 alleles (0.076%); highest among the groups gnomAD compares: South Asian, 1.2%; 23 homozygotes.

Submissions (2):

Labcorp Genetics (formerly Invitae), Labcorp
Classification: Benign. Last evaluated: 2026-01-19. Review status: criteria provided, single submitter. Criteria: Invitae Variant Classification Sherloc (09022015). Collection method: clinical testing. Allele origin: germline.

CeGaT Center for Human Genetics Tuebingen
Classification: Benign. Last evaluated: 2024-11-01. Review status: criteria provided, single submitter. Criteria: CeGaT Center For Human Genetics Tuebingen Variant Classification Criteria Version 2. Collection method: clinical testing. Allele origin: germline. Affected: yes. Observed: 4 variant alleles.
Comment: VPS13D: BP4, BP7, BS1, BS2

NM_015378.4(VPS13D):c.1290G>A (p.Leu430=)

Gene: VPS13D (vacuolar protein sorting 13 homolog D; plus strand). Cytogenetic location: 1p36.22.
Variant type: single nucleotide variant.
Coding change: c.1290G>A on transcript NM_015378.4 (MANE Select); coding-DNA position 1290, G replaced by A.
Protein change: p.Leu430=; no amino-acid change (leucine 430 retained).
Molecular consequence: synonymous variant.
Genome position (GRCh38, 1-based): chr1:12,261,025, G>A. VCF-style: chr1-12261025-G-A. GRCh37 (hg19) VCF-style: chr1-12321082-G-A.
Other names: c.1290G>A, p.Leu430= (NM_018156.4).
Identifiers: ClinVar variation 1599579 (VCV001599579.32), dbSNP rs149663017, ClinGen allele CA601482.